The following is an entry in ClinVar:

NM_000843.4(GRM6):c.1163G>A (p.Arg388His)

Genes: GRM6 (glutamate metabotropic receptor 6; minus strand), ZNF454 (zinc finger protein 454; plus strand). Cytogenetic location: 5q35.3.
Variant type: single nucleotide variant.
Coding change: c.1163G>A on transcript NM_000843.4 (MANE Select); coding-DNA position 1163, G replaced by A.
Protein change: p.Arg388His; replaces arginine 388 with histidine.
Molecular consequence: missense variant.
Genome position (GRCh38, 1-based): chr5:178,989,126, C>T on the plus strand (G>A on the coding strand, the complement: GRM6 is on the minus strand). VCF-style: chr5-178989126-C-T. GRCh37 (hg19) VCF-style: chr5-178416127-C-T.
Other names: short protein forms R388H.
Identifiers: ClinVar variation 1373378 (VCV001373378.3), dbSNP rs778389210, ClinGen allele CA3594166.

ClinVar aggregate classification (germline): Uncertain significance (1 of 4 stars; one submission).

gnomAD v4.1: 12 of 1,613,768 alleles (0.00074%); highest among the groups gnomAD compares: Admixed American, 0.0017%; no homozygotes.

Submission:

Labcorp Genetics (formerly Invitae), Labcorp
Classification: Uncertain significance. Last evaluated: 2022-07-19. Review status: criteria provided, single submitter. Criteria: Invitae Variant Classification Sherloc (09022015). Collection method: clinical testing. Allele origin: germline.
Comment: This sequence change replaces arginine, which is basic and polar, with histidine, which is basic and polar, at codon 388 of the GRM6 protein (p.Arg388His). This variant is present in population databases (rs778389210, gnomAD 0.003%). This variant has not been reported in the literature in individuals affected with GRM6-related conditions. ClinVar contains an entry for this variant (Variation ID: 1373378). Algorithms developed to predict the effect of missense changes on protein structure and function are either unavailable or do not agree on the potential impact of this missense change (SIFT: "Deleterious"; PolyPhen-2: "Probably Damaging"; Align-GVGD: "Class C0"). In summary, the available evidence is currently insufficient to determine the role of this variant in disease. Therefore, it has been classified as a Variant of Uncertain Significance.